The following is an entry in ClinVar:

NM_000051.4(ATM):c.2284C>T (p.Leu762=)

Gene: ATM (ATM serine/threonine kinase; plus strand). Cytogenetic location: 11q22.3.
Variant type: single nucleotide variant.
Coding change: c.2284C>T on transcript NM_000051.4 (MANE Select); coding-DNA position 2284, C replaced by T.
Protein change: p.Leu762=; no amino-acid change (leucine 762 retained).
Molecular consequence: synonymous variant.
Genome position (GRCh38, 1-based): chr11:108,257,514, C>T. VCF-style: chr11-108257514-C-T. GRCh37 (hg19) VCF-style: chr11-108128241-C-T.
Other names: c.2284C>T, p.Leu762= (NM_001351834.2).
Identifiers: ClinVar variation 231850 (VCV000231850.11), dbSNP rs876659401, ClinGen allele CA10579047.

ClinVar aggregate classification (germline): Benign/Likely benign. Review status: criteria provided, multiple submitters, no conflicts (2 of 4 stars). 4 submissions from 4 submitters: Benign (1); Likely benign (3). Last evaluated 2024-10-29.

Conditions:
Hereditary cancer-predisposing syndrome. Also called: Hereditary Cancer Syndrome; Neoplastic Syndromes, Hereditary; Tumor predisposition; Hereditary neoplastic syndrome. Identifiers: Orphanet 140162, MedGen C0027672, MeSH D009386, MONDO:0015356.
Familial cancer of breast. Also called: Hereditary breast cancer; hereditary breast carcinoma; BREAST CANCER, FAMILIAL. Identifiers: Orphanet 227535, MedGen C0346153, MONDO:0016419, OMIM 114480. Disease mechanism: loss of function.
Ataxia-telangiectasia syndrome (AT). Also called: Ataxia telangiectasia (A-T); Ataxia-telangiectasia, complementation group E; LOUIS-BAR SYNDROME; Cerebello-oculocutaneous telangiectasia; Immunodeficiency with ataxia telangiectasia; Ataxia-telangiectasia, complementation group D. Identifiers: Orphanet 100, MedGen C0004135, MONDO:0008840, OMIM 208900.

Submissions (4):

Labcorp Genetics (formerly Invitae), Labcorp
Classification: Likely benign for Ataxia-telangiectasia syndrome. Last evaluated: 2024-10-29. Review status: criteria provided, single submitter. Criteria: Invitae Variant Classification Sherloc (09022015). Collection method: clinical testing. Allele origin: germline.

Myriad Genetics, Inc.
Classification: Benign for Familial cancer of breast. Last evaluated: 2024-05-08. Review status: criteria provided, single submitter. Criteria: Myriad Autosomal Dominant, Autosomal Recessive and X-Linked Classification Criteria (2023). Collection method: clinical testing. Allele origin: unknown.
Comment: This variant is considered benign. This variant is a silent/synonymous amino acid change and it is not expected to impact splicing.

GeneDx
Classification: Likely benign. Last evaluated: 2016-11-28. Review status: criteria provided, single submitter. Criteria: GeneDx Variant Classification (06012015). Collection method: clinical testing. Allele origin: germline. Affected: yes.
Comment: This variant is considered likely benign or benign based on one or more of the following criteria: it is a conservative change, it occurs at a poorly conserved position in the protein, it is predicted to be benign by multiple in silico algorithms, and/or has population frequency not consistent with disease.

Ambry Genetics
Classification: Likely benign for Hereditary cancer-predisposing syndrome. Last evaluated: 2015-05-14. Review status: criteria provided, single submitter. Criteria: Ambry Variant Classification Scheme 2023. Collection method: clinical testing. Allele origin: germline.